The following is an entry in ClinVar:

NM_001105206.3(LAMA4):c.4975G>T (p.Val1659Phe)

Gene: LAMA4 (laminin subunit alpha 4; minus strand). Cytogenetic location: 6q21.
Variant type: single nucleotide variant.
Coding change: c.4975G>T on transcript NM_001105206.3 (MANE Select); coding-DNA position 4975, G replaced by T.
Protein change: p.Val1659Phe; replaces valine 1659 with phenylalanine.
Molecular consequence: missense variant.
Genome position (GRCh38, 1-based): chr6:112,117,745, C>A on the plus strand (G>T on the coding strand, the complement: LAMA4 is on the minus strand). VCF-style: chr6-112117745-C-A. GRCh37 (hg19) VCF-style: chr6-112438948-C-A.
Other names: c.4954G>T, p.Val1652Phe (NM_001105207.3, NM_002290.5); short protein forms V1652F, V1659F.
Identifiers: ClinVar variation 4770188 (VCV004770188.2).
Genomic context (GRCh38, chr6:112,117,745, plus strand): 5'-CATCTCCAGGAAGAAGCATTTCATGACTCATATTTTTAACATGACTAATGTTACCTAGAA[C>A]CACGTATCCTCCTTCTGTTGAAAAGTAAGTTCCTGTTTCCATGGGGCCTTCAAAGCAAGG-3'
Protein context (NP_001098676.2, residues 1649-1669): TYFSTEGGYV[Val1659Phe]LDESFNIGLK

ClinVar aggregate classification (germline): Uncertain significance. Review status: criteria provided, multiple submitters, no conflicts (2 of 4 stars). 2 submissions from 2 submitters: Uncertain significance (2). Last evaluated 2026-05-23.

Conditions:
Cardiovascular phenotype. Identifiers: MedGen CN230736.
Dilated cardiomyopathy 1JJ (CMD1JJ). Identifiers: Orphanet 154, MedGen C3808935, MONDO:0014095, OMIM 615235.

gnomAD v4.1: 7 of 1,613,242 alleles (0.00043%); highest among the groups gnomAD compares: Non-Finnish European, 0.00059%; no homozygotes.

Submissions (2):

Ambry Genetics
Classification: Uncertain significance for Cardiovascular phenotype. Last evaluated: 2026-05-23. Review status: criteria provided, single submitter. Criteria: Ambry Variant Classification Scheme 2023. Collection method: clinical testing. Allele origin: germline.
Comment: The p.V1652F variant (also known as c.4954G>T), located in coding exon 34 of the LAMA4 gene, results from a G to T substitution at nucleotide position 4954. The valine at codon 1652 is replaced by phenylalanine, an amino acid with highly similar properties. This amino acid position is conserved. In addition, the in silico prediction for this alteration is inconclusive. Based on the available evidence, the clinical significance of this variant remains unclear.

Labcorp Genetics (formerly Invitae), Labcorp
Classification: Uncertain significance for Dilated cardiomyopathy 1JJ. Last evaluated: 2025-08-22. Review status: criteria provided, single submitter. Criteria: Invitae Variant Classification Sherloc (09022015). Collection method: clinical testing. Allele origin: germline.
Comment: This sequence change replaces valine, which is neutral and non-polar, with phenylalanine, which is neutral and non-polar, at codon 1652 of the LAMA4 protein (p.Val1652Phe). This variant is present in population databases (rs782698573, gnomAD 0.0009%). This variant has not been reported in the literature in individuals affected with LAMA4-related conditions. Invitae Evidence Modeling of protein sequence and biophysical properties (such as structural, functional, and spatial information, amino acid conservation, physicochemical variation, residue mobility, and thermodynamic stability) indicates that this missense variant is not expected to disrupt LAMA4 protein function with a negative predictive value of 80%. In summary, the available evidence is currently insufficient to determine the role of this variant in disease. Therefore, it has been classified as a Variant of Uncertain Significance.